The following is an entry in ClinVar:

ClinVar aggregate classification (germline): Uncertain significance (1 of 4 stars; one submission).

Submission:

Labcorp Genetics (formerly Invitae), Labcorp
Classification: Uncertain significance. Last evaluated: 2025-05-07. Review status: criteria provided, single submitter. Criteria: Invitae Variant Classification Sherloc (09022015). Collection method: clinical testing. Allele origin: germline.
Comment: This sequence change replaces valine, which is neutral and non-polar, with alanine, which is neutral and non-polar, at codon 1085 of the C3 protein (p.Val1085Ala). This variant is not present in population databases (gnomAD no frequency). This variant has not been reported in the literature in individuals affected with C3-related conditions. Invitae Evidence Modeling of protein sequence and biophysical properties (such as structural, functional, and spatial information, amino acid conservation, physicochemical variation, residue mobility, and thermodynamic stability) indicates that this missense variant is expected to disrupt C3 protein function with a positive predictive value of 80%. In summary, the available evidence is currently insufficient to determine the role of this variant in disease. Therefore, it has been classified as a Variant of Uncertain Significance.

NM_000064.4(C3):c.3254T>C (p.Val1085Ala)

Gene: C3 (complement C3; minus strand). Cytogenetic location: 19p13.3.
Variant type: single nucleotide variant.
Coding change: c.3254T>C on transcript NM_000064.4 (MANE Select); coding-DNA position 3254, T replaced by C.
Protein change: p.Val1085Ala; replaces valine 1085 with alanine.
Molecular consequence: missense variant.
Genome position (GRCh38, 1-based): chr19:6,693,060, A>G on the plus strand (T>C on the coding strand, the complement: C3 is on the minus strand). VCF-style: chr19-6693060-A-G. GRCh37 (hg19) VCF-style: chr19-6693071-A-G.
Other names: short protein forms V1085A.
Identifiers: ClinVar variation 4746708 (VCV004746708.1).